The following is an entry in ClinVar:

NM_001365088.1(SLC12A6):c.1118+115A>G

Gene: SLC12A6 (solute carrier family 12 member 6; minus strand). Cytogenetic location: 15q14.
Variant type: single nucleotide variant.
Coding change: c.1118+115A>G on transcript NM_001365088.1 (MANE Select); 115 bases into the intron after coding-DNA position 1118, A replaced by G.
Molecular consequence: intron variant.
Genome position (GRCh38, 1-based): chr15:34,254,233, T>C on the plus strand (A>G on the coding strand, the complement: SLC12A6 is on the minus strand). VCF-style: chr15-34254233-T-C. GRCh37 (hg19) VCF-style: chr15-34546434-T-C.
Other names: c.941+115A>G (NM_001042495.2, NM_001042494.2); c.1091+115A>G (NM_001042496.2); c.1073+115A>G (NM_001042497.2); c.1118+115A>G (NM_133647.2); c.965+115A>G (NM_005135.2).
Identifiers: ClinVar variation 670089 (VCV000670089.1), dbSNP rs2705344, ClinGen allele CA15836136.
Genomic context (GRCh38, chr15:34,254,233, plus strand): 5'-GACATAGTTTGCTGGTAGGCTTCCTGCCTAGATGAGGAAGGAAGTCTAACTGGGCTTATC[T>C]GAGAGGGAAAATCTCAGAGAGACTCTATGAAATTCTGACTTAAAATTATCACACCACCAG-3'

ClinVar aggregate classification (germline): Benign (1 of 4 stars; one submission).

Allele frequency attached by ClinVar (database versions not stated): 1000 Genomes Project 30x 0.78982; TOPMed 0.79374; 1000 Genomes Project 0.79912; gnomAD 0.79993 and 0.80473; gnomAD exomes 0.86747.
gnomAD v4.1: 968,199 of 1,127,632 alleles (86%); highest among the groups gnomAD compares: East Asian, 100%; 418,493 homozygotes.

Submission:

GeneDx
Classification: Benign. Last evaluated: 2018-06-14. Review status: criteria provided, single submitter. Criteria: GeneDx Variant Classification (06012015). Collection method: clinical testing. Allele origin: germline. Affected: yes.
Comment: This variant is considered likely benign or benign based on one or more of the following criteria: it is a conservative change, it occurs at a poorly conserved position in the protein, it is predicted to be benign by multiple in silico algorithms, and/or has population frequency not consistent with disease.